The following is an entry in ClinVar:

ClinVar aggregate classification (germline): Uncertain significance. Review status: criteria provided, multiple submitters, no conflicts (2 of 4 stars). 3 submissions from 3 submitters: Uncertain significance (3). Last evaluated 2025-02-07.

Conditions:
Inborn genetic diseases. Identifiers: MedGen C0950123, MeSH D030342.

Allele frequency attached by ClinVar (database versions not stated): gnomAD 0.00002; ExAC 0.00003.
gnomAD v4.1: 18 of 1,603,030 alleles (0.0011%); highest among the groups gnomAD compares: Admixed American, 0.02%; no homozygotes.

Submissions (3):

Ambry Genetics
Classification: Uncertain significance for Inborn genetic diseases. Last evaluated: 2025-02-07. Review status: criteria provided, single submitter. Criteria: Ambry Variant Classification Scheme 2023. Collection method: clinical testing. Allele origin: germline.

Blueprint Genetics
Classification: Uncertain significance. Last evaluated: 2023-05-05. Review status: criteria provided, single submitter. Criteria: ACMG Guidelines, 2015. Collection method: clinical testing. Allele origin: germline.

Labcorp Genetics (formerly Invitae), Labcorp
Classification: Uncertain significance. Last evaluated: 2022-08-16. Review status: criteria provided, single submitter. Criteria: Invitae Variant Classification Sherloc (09022015). Collection method: clinical testing. Allele origin: germline.
Comment: This sequence change replaces lysine, which is basic and polar, with asparagine, which is neutral and polar, at codon 528 of the GRM6 protein (p.Lys528Asn). This variant is present in population databases (rs763322836, gnomAD 0.02%). This variant has not been reported in the literature in individuals affected with GRM6-related conditions. Advanced modeling of protein sequence and biophysical properties (such as structural, functional, and spatial information, amino acid conservation, physicochemical variation, residue mobility, and thermodynamic stability) performed at Invitae indicates that this missense variant is expected to disrupt GRM6 protein function. In summary, the available evidence is currently insufficient to determine the role of this variant in disease. Therefore, it has been classified as a Variant of Uncertain Significance.

NM_000843.4(GRM6):c.1584G>T (p.Lys528Asn)

Genes: GRM6 (glutamate metabotropic receptor 6; minus strand), ZNF454 (zinc finger protein 454; plus strand). Cytogenetic location: 5q35.3.
Variant type: single nucleotide variant.
Coding change: c.1584G>T on transcript NM_000843.4 (MANE Select); coding-DNA position 1584, G replaced by T.
Protein change: p.Lys528Asn; replaces lysine 528 with asparagine.
Molecular consequence: missense variant.
Genome position (GRCh38, 1-based): chr5:178,986,670, C>A on the plus strand (G>T on the coding strand, the complement: GRM6 is on the minus strand). VCF-style: chr5-178986670-C-A. GRCh37 (hg19) VCF-style: chr5-178413671-C-A.
Other names: c.1584G>T (NM_000843.3); short protein forms K528N.
Identifiers: ClinVar variation 1899408 (VCV001899408.4), dbSNP rs763322836, ClinGen allele CA3593989.
Genomic context (GRCh38, chr5:178,986,670, plus strand): 5'-GAAGCGGTACCCGTCACAGGCCTCGCAGTGCCAACAGCAGGGGACGCCCTTCACCATCTT[C>A]TTCCGCTCCCCCGGCCCGCAGGGCAGGCTGCACAGAGACGAGGGCACCTCGTGGGGGTCG-3'
Protein context (NP_000834.2, residues 518-538): CSLPCGPGER[Lys528Asn]KMVKGVPCCW